The following is an entry in ClinVar:

NM_000091.5(COL4A3):c.3374G>A (p.Gly1125Glu)

Genes: COL4A3 (collagen type IV alpha 3 chain; plus strand), MFF-DT (MFF divergent transcript; minus strand). Cytogenetic location: 2q36.3.
Variant type: single nucleotide variant.
Coding change: c.3374G>A on transcript NM_000091.5 (MANE Select); coding-DNA position 3374, G replaced by A.
Protein change: p.Gly1125Glu; replaces glycine 1125 with glutamic acid.
Molecular consequence: missense variant.
Genome position (GRCh38, 1-based): chr2:227,294,526, G>A. VCF-style: chr2-227294526-G-A. GRCh37 (hg19) VCF-style: chr2-228159242-G-A.
Other names: short protein forms G1125E.
Identifiers: ClinVar variation 2708197 (VCV002708197.3), dbSNP rs1473142299, ClinGen allele CA350858561.
Genomic context (GRCh38, chr2:227,294,526, plus strand): 5'-TCCTTCCCCTCTCTTCATTTCCAGGAAAGCCAGGTCCTCATGGTGATTTGGGTTTTAAAG[G>A]AATCAAAGGCCTCCTGGGCCCTCCAGGAATCAGAGGCCCTCCAGGTTTCATTTTTGTACT-3'
Protein context (NP_000082.2, residues 1115-1135): PGPHGDLGFK[Gly1125Glu]IKGLLGPPGI

ClinVar aggregate classification (germline): Uncertain significance (1 of 4 stars; one submission).

gnomAD v4.1: 1 of 1,613,808 alleles (0.000062%); highest among the groups gnomAD compares: East Asian, 0.0022%; no homozygotes.

Submission:

Labcorp Genetics (formerly Invitae), Labcorp
Classification: Uncertain significance. Last evaluated: 2024-01-08. Review status: criteria provided, single submitter. Criteria: Invitae Variant Classification Sherloc (09022015). Collection method: clinical testing. Allele origin: germline.
Comment: This sequence change replaces glycine, which is neutral and non-polar, with glutamic acid, which is acidic and polar, at codon 1125 of the COL4A3 protein (p.Gly1125Glu). This variant is not present in population databases (gnomAD no frequency). This variant has not been reported in the literature in individuals affected with COL4A3-related conditions. Advanced modeling of protein sequence and biophysical properties (such as structural, functional, and spatial information, amino acid conservation, physicochemical variation, residue mobility, and thermodynamic stability) performed at Invitae indicates that this missense variant is expected to disrupt COL4A3 protein function with a positive predictive value of 80%. In summary, the available evidence is currently insufficient to determine the role of this variant in disease. Therefore, it has been classified as a Variant of Uncertain Significance.